The following is an entry in ClinVar:

ClinVar aggregate classification (germline): Likely benign. Review status: criteria provided, single submitter (1 of 4 stars). 2 submissions from 2 submitters: Likely benign (1). 1 of the submissions does not count toward it. Last evaluated 2025-05-05.

Conditions:
Nephronophthisis 15 (NPHP15). Identifiers: Orphanet 3156, MedGen C3541853, MONDO:0013917, OMIM 614845.
CEP164-related disorder. Also called: CEP164-related condition.

Allele frequency attached by ClinVar (database versions not stated): gnomAD exomes 0.00001 and 0.00002; TOPMed 0.00001.
gnomAD v4.1: 12 of 1,503,294 alleles (0.0008%); highest among the groups gnomAD compares: Non-Finnish European, 0.00098%; no homozygotes.

Submissions (2):

Labcorp Genetics (formerly Invitae), Labcorp
Classification: Likely benign for Nephronophthisis 15. Last evaluated: 2025-05-05. Review status: criteria provided, single submitter. Criteria: Invitae Variant Classification Sherloc (09022015). Collection method: clinical testing. Allele origin: germline.

PreventionGenetics, part of Exact Sciences
Classification: Likely benign for CEP164-related condition. Last evaluated: 2022-11-02. Review status: no assertion criteria provided. Collection method: clinical testing. Allele origin: germline. Not counted in ClinVar's aggregate classification.
Comment: This variant is classified as likely benign based on ACMG/AMP sequence variant interpretation guidelines (Richards et al. 2015 PMID: 25741868, with internal and published modifications).

NM_014956.5(CEP164):c.1569C>G (p.Ser523=)

Gene: CEP164 (centrosomal protein 164; plus strand). Cytogenetic location: 11q23.3.
Variant type: single nucleotide variant.
Coding change: c.1569C>G on transcript NM_014956.5 (MANE Select); coding-DNA position 1569, C replaced by G.
Protein change: p.Ser523=; no amino-acid change (serine 523 retained).
Molecular consequence: synonymous variant.
Genome position (GRCh38, 1-based): chr11:117,381,860, C>G. VCF-style: chr11-117381860-C-G. GRCh37 (hg19) VCF-style: chr11-117252576-C-G.
Other names: c.1578C>G, p.Ser526= (NM_001271933.2); c.1569C>G (NM_014956.4).
Identifiers: ClinVar variation 1094864 (VCV001094864.11), dbSNP rs747829353, ClinGen allele CA229397778.
Genomic context (GRCh38, chr11:117,381,860, plus strand): 5'-GTGGAAGGAGGCAGAGGAGCTTGGGGAGGACTCTGCAGCCAGCCTCAGCCTGCAGCTGTC[C>G]CTCCAGAGGTAAGGATGAGGGGAAGCATCCTCATGAGGATGAGGGCTGGTGGCTGCTCTG-3'
Protein context (NP_055771.4, residues 513-533): DSAASLSLQL[Ser523=]LQREQAPSPP